The following is an entry in ClinVar:

ClinVar aggregate classification (germline): Uncertain significance. Review status: criteria provided, multiple submitters, no conflicts (2 of 4 stars). 2 submissions from 2 submitters: Uncertain significance (2). Last evaluated 2025-06-25.

Conditions:
Inborn genetic diseases. Identifiers: MedGen C0950123, MeSH D030342.

gnomAD v4.1: 16 of 1,613,774 alleles (0.00099%); highest among the groups gnomAD compares: African/African-American, 0.008%; no homozygotes.

Submissions (2):

GeneDx
Classification: Uncertain significance. Last evaluated: 2025-06-25. Review status: criteria provided, single submitter. Criteria: GeneDx Variant Classification Process June 2021. Collection method: clinical testing. Allele origin: germline. Affected: yes.
Comment: Not observed at significant frequency in large population cohorts (gnomAD); In silico analysis supports that this missense variant has a deleterious effect on protein structure/function; Has not been previously published as pathogenic or benign to our knowledge

Ambry Genetics
Classification: Uncertain significance for Inborn genetic diseases. Last evaluated: 2025-04-28. Review status: criteria provided, single submitter. Criteria: Ambry Variant Classification Scheme 2023. Collection method: clinical testing. Allele origin: germline.

NM_016239.4(MYO15A):c.5758C>T (p.Arg1920Trp)

Gene: MYO15A (myosin XVA; plus strand). Cytogenetic location: 17p11.2.
Variant type: single nucleotide variant.
Coding change: c.5758C>T on transcript NM_016239.4 (MANE Select); coding-DNA position 5758, C replaced by T.
Protein change: p.Arg1920Trp; replaces arginine 1920 with tryptophan.
Molecular consequence: missense variant.
Genome position (GRCh38, 1-based): chr17:18,142,187, C>T. VCF-style: chr17-18142187-C-T. GRCh37 (hg19) VCF-style: chr17-18045501-C-T.
Other names: short protein forms R1920W.
Identifiers: ClinVar variation 3915910 (VCV003915910.2).
Genomic context (GRCh38, chr17:18,142,187, plus strand): 5'-CATGTCCTGAATCTGGCAGCCCTCACTCTGCAGCGCTGCCTCCGTGGCTTCTTCATTAAG[C>T]GGCGATTCCGCTCTCTGCGCCACAAGATCATCCTGCTGCAAAGCCGGGCCCGTGGCTACC-3'
Protein context (NP_057323.3, residues 1910-1930): QRCLRGFFIK[Arg1920Trp]RFRSLRHKII